The following is an entry in ClinVar:

NM_001127222.2(CACNA1A):c.162G>A (p.Gln54=)

Gene: CACNA1A (calcium voltage-gated channel subunit alpha1 A; minus strand). Cytogenetic location: 19p13.13.
Variant type: single nucleotide variant.
Coding change: c.162G>A on transcript NM_001127222.2 (MANE Select); coding-DNA position 162, G replaced by A.
Protein change: p.Gln54=; no amino-acid change (glutamine 54 retained).
Molecular consequence: synonymous variant.
Genome position (GRCh38, 1-based): chr19:13,506,063, C>T on the plus strand (G>A on the coding strand, the complement: CACNA1A is on the minus strand). VCF-style: chr19-13506063-C-T. GRCh37 (hg19) VCF-style: chr19-13616877-C-T.
Other names: c.162G>A, p.Gln54= (NM_000068.4, NM_001127221.2, NM_001174080.2 and 1 more transcripts).
Identifiers: ClinVar variation 1115413 (VCV001115413.10), dbSNP rs762262807, ClinGen allele CA9241089.
Genomic context (GRCh38, chr19:13,506,063, plus strand): 5'-AACCGTGAGGCAGTTCTGTCGGACGGGGATGGGGTTGTAGAGTGCCATGGTCCGCGCTCT[C>T]TGCGCCATTGACTGCTTGTACATCCTTTGCGCCCCGGGCTGCCCGCCCTGCCGGCTGCCC-3'
Protein context (NP_001120694.1, residues 44-64): AQRMYKQSMA[Gln54=]RARTMALYNP

ClinVar aggregate classification (germline): Conflicting classifications of pathogenicity. Review status: criteria provided, conflicting classifications (1 of 4 stars). 2 submissions from 2 submitters: Uncertain significance (1); Likely benign (1). Last evaluated 2024-10-13.

Conditions:
Episodic ataxia type 2 (EA2). Also called: ATAXIA, EPISODIC, WITH NYSTAGMUS; ATAXIA, FAMILIAL PAROXYSMAL; CEREBELLAR ATAXIA, PAROXYSMAL, ACETAZOLAMIDE-RESPONSIVE; CEREBELLOPATHY, HEREDITARY PAROXYSMAL; EPISODIC ATAXIA, NYSTAGMUS-ASSOCIATED; ACETAZOLAMIDE-RESPONSIVE HEREDITARY PAROXYSMAL CEREBELLAR ATAXIA. Identifiers: Orphanet 97, MedGen C1720416, MONDO:0007163, OMIM 108500.
Developmental and epileptic encephalopathy, 42 (DEE42A). Also called: DEVELOPMENTAL AND EPILEPTIC ENCEPHALOPATHY 42A; EPILEPTIC ENCEPHALOPATHY, EARLY INFANTILE, 42A; Epileptic encephalopathy, early infantile, 42. Identifiers: MedGen C4310716, MONDO:0014917, OMIM 617106.

Allele frequency attached by ClinVar (database versions not stated): gnomAD exomes below 0.00001 and 0.00001; ExAC 0.00001; gnomAD 0.00001.
gnomAD v4.1: 6 of 1,613,844 alleles (0.00037%); highest among the groups gnomAD compares: Non-Finnish European, 0.00051%; no homozygotes.

Submissions (2):

Labcorp Genetics (formerly Invitae), Labcorp
Classification: Likely benign for Developmental and epileptic encephalopathy, 42; Episodic ataxia type 2. Last evaluated: 2024-10-13. Review status: criteria provided, single submitter. Criteria: Invitae Variant Classification Sherloc (09022015). Collection method: clinical testing. Allele origin: germline.

GeneDx
Classification: Uncertain significance. Last evaluated: 2021-05-25. Review status: criteria provided, single submitter. Criteria: GeneDx Variant Classification Process June 2021. Collection method: clinical testing. Allele origin: germline. Affected: yes.
Comment: Not observed at significant frequency in large population cohorts (Lek et al., 2016); In-silico analysis, which includes splice predictors and evolutionary conservation, is inconclusive as to whether the variant alters gene splicing. In the absence of RNA/functional studies, the actual effect of this sequence change is unknown.; Has not been previously published as pathogenic or benign to our knowledge